The following is an entry in ClinVar:

NM_015213.4(DENND5A):c.2543G>A (p.Arg848His)

Gene: DENND5A (DENN domain containing 5A; minus strand). Cytogenetic location: 11p15.4.
Variant type: single nucleotide variant.
Coding change: c.2543G>A on transcript NM_015213.4 (MANE Select); coding-DNA position 2543, G replaced by A.
Protein change: p.Arg848His; replaces arginine 848 with histidine.
Molecular consequence: missense variant. On other transcripts: non-coding transcript variant (1).
Genome position (GRCh38, 1-based): chr11:9,150,743, C>T on the plus strand (G>A on the coding strand, the complement: DENND5A is on the minus strand). VCF-style: chr11-9150743-C-T. GRCh37 (hg19) VCF-style: chr11-9172290-C-T.
Other names: c.2543G>A, p.Arg848His (NM_001243254.2, NM_001348748.1); c.2471G>A, p.Arg824His (NM_001348749.2); c.2255G>A, p.Arg752His (NM_001348750.2); short protein forms R752H, R824H, R848H.
Identifiers: ClinVar variation 1982337 (VCV001982337.3), dbSNP rs767542743, ClinGen allele CA5877294.

ClinVar aggregate classification (germline): Uncertain significance (1 of 4 stars; one submission).

Allele frequency attached by ClinVar (database versions not stated): gnomAD 0.00003.
gnomAD v4.1: 51 of 1,612,912 alleles (0.0032%); highest among the groups gnomAD compares: South Asian, 0.012%; no homozygotes.

Submission:

Labcorp Genetics (formerly Invitae), Labcorp
Classification: Uncertain significance. Last evaluated: 2022-07-21. Review status: criteria provided, single submitter. Criteria: Invitae Variant Classification Sherloc (09022015). Collection method: clinical testing. Allele origin: germline.
Comment: This sequence change replaces arginine, which is basic and polar, with histidine, which is basic and polar, at codon 848 of the DENND5A protein (p.Arg848His). This variant is present in population databases (rs767542743, gnomAD 0.01%). In summary, the available evidence is currently insufficient to determine the role of this variant in disease. Therefore, it has been classified as a Variant of Uncertain Significance. Algorithms developed to predict the effect of missense changes on protein structure and function are either unavailable or do not agree on the potential impact of this missense change (SIFT: "Tolerated"; PolyPhen-2: "Possibly Damaging"; Align-GVGD: "Class C0"). This variant has not been reported in the literature in individuals affected with DENND5A-related conditions.